The following is an entry in ClinVar:

NM_004958.4(MTOR):c.2398G>A (p.Ala800Thr)

Gene: MTOR (mechanistic target of rapamycin kinase; minus strand). Cytogenetic location: 1p36.22.
Variant type: single nucleotide variant.
Coding change: c.2398G>A on transcript NM_004958.4 (MANE Select); coding-DNA position 2398, G replaced by A.
Protein change: p.Ala800Thr; replaces alanine 800 with threonine.
Molecular consequence: missense variant.
Genome position (GRCh38, 1-based): chr1:11,233,421, C>T on the plus strand (G>A on the coding strand, the complement: MTOR is on the minus strand). VCF-style: chr1-11233421-C-T. GRCh37 (hg19) VCF-style: chr1-11293478-C-T.
Other names: c.2398G>A, p.Ala800Thr (NM_001386500.1); c.1150G>A, p.Ala384Thr (NM_001386501.1); short protein forms A384T, A800T.
Identifiers: ClinVar variation 3633499 (VCV003633499.2).

ClinVar aggregate classification (germline): Uncertain significance (1 of 4 stars; one submission).

Submission:

Labcorp Genetics (formerly Invitae), Labcorp
Classification: Uncertain significance. Last evaluated: 2024-10-21. Review status: criteria provided, single submitter. Criteria: Invitae Variant Classification Sherloc (09022015). Collection method: clinical testing. Allele origin: germline.
Comment: This sequence change replaces alanine, which is neutral and non-polar, with threonine, which is neutral and polar, at codon 800 of the MTOR protein (p.Ala800Thr). This variant is not present in population databases (gnomAD no frequency). This variant has not been reported in the literature in individuals affected with MTOR-related conditions. Invitae Evidence Modeling of protein sequence and biophysical properties (such as structural, functional, and spatial information, amino acid conservation, physicochemical variation, residue mobility, and thermodynamic stability) indicates that this missense variant is not expected to disrupt MTOR protein function with a negative predictive value of 95%. In summary, the available evidence is currently insufficient to determine the role of this variant in disease. Therefore, it has been classified as a Variant of Uncertain Significance.